The following is an entry in ClinVar:

NM_004082.5(DCTN1):c.325_327dup (p.Pro109_Asp110insPro)

Gene: DCTN1 (dynactin subunit 1; minus strand). Cytogenetic location: 2p13.1.
Variant type: Duplication.
Coding change: c.325_327dup on transcript NM_004082.5 (MANE Select); coding-DNA positions 325 to 327, 3 bases duplicated (CCT; older notation c.325_327dupCCT).
Protein change: p.Pro109_Asp110insPro.
Molecular consequence: inframe insertion. On other transcripts: non-coding transcript variant (1).
Genome position (GRCh38, 1-based): chr2:74,377,679-74,377,681, AGG duplicated on the plus strand (CCT on the coding strand, the reverse complement: DCTN1 is on the minus strand). VCF-style (leftmost placement, unchanged base first): chr2-74377678-C-CAGG. GRCh37 (hg19) VCF-style: chr2-74604805-C-CAGG.
Other names: c.325_327dup, p.Pro109_Asp110insPro (NM_001135040.3, NM_001190837.2); c.274_276dup, p.Pro92_Asp93insPro (NM_001190836.2, NM_001378991.1, NM_001378992.1).
Identifiers: ClinVar variation 2113152 (VCV002113152.4), dbSNP rs2529212974, ClinGen allele CA2577009346.
Genomic context (GRCh38, chr2:74,377,678, plus strand): 5'-GGGAGGCAACTTTAAGTGGGTGGTTGTTACCTCTTTTGAGGACTTTTGAAGCAGAAGAAT[C>CAGG]AGGTGTCTCTGGGGAAGTAGTATCTGCTCCATCTTCAAATACCTGGATCTGAGGCCAGAT-3'

ClinVar aggregate classification (germline): Uncertain significance (1 of 4 stars; one submission).

Conditions:
Amyotrophic lateral sclerosis type 1 (ALS1). Also called: AMYOTROPHIC LATERAL SCLEROSIS 1, FAMILIAL. Identifiers: Orphanet 803, MedGen C1862939, MONDO:0007103, OMIM 105400.
Perry syndrome. Also called: PARKINSONISM WITH ALVEOLAR HYPOVENTILATION AND MENTAL DEPRESSION. Identifiers: Orphanet 178509, MedGen C1868594, MONDO:0008201, OMIM 168605.
Neuronopathy, distal hereditary motor, type 7B. Also called: Distal Hereditary Motor Neuronopathy Type 7B (dHMN7B); HMN VIIB; LOWER MOTOR NEURON DISEASE, DYNACTIN TYPE; NEURONOPATHY, DISTAL HEREDITARY MOTOR, AUTOSOMAL DOMINANT 14; NEURONOPATHY, DISTAL HEREDITARY MOTOR, HARDING TYPE VIIB; NEUROPATHY, DISTAL HEREDITARY MOTOR, HARDING TYPE VIIB. Identifiers: Orphanet 139589, MedGen C1843315, MONDO:0011879, OMIM 607641.

Allele frequency attached by ClinVar (database versions not stated): gnomAD exomes below 0.00001.

Submission:

Labcorp Genetics (formerly Invitae), Labcorp
Classification: Uncertain significance for Amyotrophic lateral sclerosis type 1; Neuronopathy, distal hereditary motor, type 7B; Perry syndrome. Last evaluated: 2022-03-16. Review status: criteria provided, single submitter. Criteria: Invitae Variant Classification Sherloc (09022015). Collection method: clinical testing. Allele origin: germline.
Comment: In summary, the available evidence is currently insufficient to determine the role of this variant in disease. Therefore, it has been classified as a Variant of Uncertain Significance. This variant has not been reported in the literature in individuals affected with DCTN1-related conditions. This variant is not present in population databases (gnomAD no frequency). This variant, c.325_327dup, results in the insertion of 1 amino acid(s) of the DCTN1 protein (p.Pro109dup), but otherwise preserves the integrity of the reading frame.